The following is an entry in ClinVar:

NM_007109.3(TCF19):c.325C>T (p.Pro109Ser)

Gene: TCF19 (transcription factor 19; plus strand). Cytogenetic location: 6p21.33.
Variant type: single nucleotide variant.
Coding change: c.325C>T on transcript NM_007109.3 (MANE Select); coding-DNA position 325, C replaced by T.
Protein change: p.Pro109Ser; replaces proline 109 with serine.
Molecular consequence: missense variant.
Genome position (GRCh38, 1-based): chr6:31,161,533, C>T. VCF-style: chr6-31161533-C-T. GRCh37 (hg19) VCF-style: chr6-31129310-C-T.
Other names: c.325C>T, p.Pro109Ser (NM_001077511.2, NM_001318908.2); short protein forms P109S.
Identifiers: ClinVar variation 1280459 (VCV001280459.1), dbSNP rs7750641, ClinGen allele CA3709657.

ClinVar aggregate classification (germline): Benign (1 of 4 stars; one submission).

Allele frequency attached by ClinVar (database versions not stated): 1000 Genomes Project 0.02376; 1000 Genomes Project 30x 0.02405; TOPMed 0.06989; gnomAD exomes 0.07011 and 0.11994; ExAC 0.07132; gnomAD 0.07394 and 0.07731; ESP Exome Variant Server 0.09005.

Submission:

GeneDx
Classification: Benign. Last evaluated: 2020-04-30. Review status: criteria provided, single submitter. Criteria: GeneDx Variant Classification Process June 2021. Collection method: clinical testing. Allele origin: germline. Affected: yes.
Comment: This variant is associated with the following publications: (PMID: 20662065, 23055271)